The following is an entry in ClinVar:

ClinVar aggregate classification (germline): Uncertain significance (1 of 4 stars; one submission).

Conditions:
Pulmonary fibrosis and/or bone marrow failure, Telomere-related, 3. Also called: PULMONARY FIBROSIS AND/OR BONE MARROW FAILURE SYNDROME, TELOMERE-RELATED, 3. Identifiers: Orphanet 2032, MedGen C4225346, MONDO:0014613, OMIM 616373.
Dyskeratosis congenita, autosomal recessive 5 (DKCB5). Identifiers: MedGen C3554656, MONDO:0014076, OMIM 615190.

Submission:

Labcorp Genetics (formerly Invitae), Labcorp
Classification: Uncertain significance for Dyskeratosis congenita, autosomal recessive 5; Pulmonary fibrosis and/or bone marrow failure, Telomere-related, 3. Last evaluated: 2023-07-17. Review status: criteria provided, single submitter. Criteria: Invitae Variant Classification Sherloc (09022015). Collection method: clinical testing. Allele origin: germline.
Comment: In summary, the available evidence is currently insufficient to determine the role of this variant in disease. Therefore, it has been classified as a Variant of Uncertain Significance. An algorithm developed to predict the effect of missense changes on protein structure and function (PolyPhen-2) suggests that this variant is likely to be disruptive. This variant has not been reported in the literature in individuals affected with RTEL1-related conditions. This variant is not present in population databases (gnomAD no frequency). This sequence change replaces glycine, which is neutral and non-polar, with cysteine, which is neutral and slightly polar, at codon 1040 of the RTEL1 protein (p.Gly1040Cys).

NM_001283009.2(RTEL1):c.3118G>T (p.Gly1040Cys)

Genes: RTEL1 (regulator of telomere elongation helicase 1; plus strand), RTEL1-TNFRSF6B (RTEL1-TNFRSF6B readthrough (NMD candidate); plus strand). Cytogenetic location: 20q13.33.
Variant type: single nucleotide variant.
Coding change: c.3118G>T on transcript NM_001283009.2 (MANE Select); coding-DNA position 3118, G replaced by T.
Protein change: p.Gly1040Cys; replaces glycine 1040 with cysteine.
Molecular consequence: missense variant. On other transcripts: non-coding transcript variant (1).
Genome position (GRCh38, 1-based): chr20:63,694,749, G>T. VCF-style: chr20-63694749-G-T. GRCh37 (hg19) VCF-style: chr20-62326102-G-T.
Other names: c.2449G>T, p.Gly817Cys (NM_001283010.1); c.3118G>T, p.Gly1040Cys (NM_016434.4); c.3190G>T, p.Gly1064Cys (NM_032957.5); short protein forms G817C, G1040C, G1064C.
Identifiers: ClinVar variation 2939746 (VCV002939746.3), dbSNP rs2517197563, ClinGen allele CA409684784.